The following is an entry in ClinVar:

ClinVar aggregate classification (germline): Likely pathogenic. Review status: criteria provided, multiple submitters, no conflicts (2 of 4 stars). 6 submissions from 6 submitters: Likely pathogenic (4). 2 of the submissions do not count toward it. Last evaluated 2025-10-01.

Conditions:
Primary ciliary dyskinesia. Also called: Ciliary dyskinesia. Identifiers: Orphanet 244, MedGen C0008780, MONDO:0016575, HP:0012265.
Kartagener syndrome (CILD1). Also called: CILIARY DYSKINESIA, PRIMARY, 1, WITH OR WITHOUT SITUS INVERSUS; IMMOTILE CILIA SYNDROME; CILIARY DYSKINESIA, PRIMARY, 1; SIEWERT SYNDROME; Dextrocardia bronchiectasis and sinusitis; POLYNESIAN BRONCHIECTASIS. Identifiers: Orphanet 244, MedGen C4551906, MONDO:0009484, OMIM 244400.

Allele frequency attached by ClinVar (database versions not stated): gnomAD exomes below 0.00001 and 0.00001; ExAC 0.00001; gnomAD 0.00001 and 0.00002.
gnomAD v4.1: 10 of 1,613,632 alleles (0.00062%); highest among the groups gnomAD compares: Admixed American, 0.0033%; 1 homozygote.

Submissions (6):

Natera, Inc.
Classification: Likely pathogenic for Primary ciliary dyskinesia. Last evaluated: 2025-10-01. Review status: criteria provided, single submitter. Criteria: Natera Variant Classification Schema (03/2026). Collection method: clinical testing. Allele origin: germline.
Comment: The c.1490-2A>G variant in DNAI1 is a canonical splice acceptor site variant predicted to affect pre-mRNA splicing, which may result in an abnormal transcript and altered protein product. This variant is expected to result in nonsense mediated decay, truncation, or a dysfunctional protein product. This variant is rare in the general population with a frequency below the threshold expected for the associated phenotype(s). Given the available evidence, this variant is classified as Likely Pathogenic.

Fulgent Genetics
Classification: Likely pathogenic for Kartagener syndrome. Last evaluated: 2024-05-31. Review status: criteria provided, single submitter. Criteria: ACMG Guidelines, 2015. Collection method: clinical testing. Allele origin: germline.

Labcorp Genetics (formerly Invitae), Labcorp
Classification: Likely pathogenic for Primary ciliary dyskinesia. Last evaluated: 2023-08-03. Review status: criteria provided, single submitter. Criteria: Invitae Variant Classification Sherloc (09022015). Collection method: clinical testing. Allele origin: germline.
Comment: This sequence change affects an acceptor splice site in intron 15 of the DNAI1 gene. It is expected to disrupt RNA splicing. Variants that disrupt the donor or acceptor splice site typically lead to a loss of protein function (PMID: 16199547), and loss-of-function variants in DNAI1 are known to be pathogenic (PMID: 16858015, 29363216). This variant is present in population databases (rs775831317, gnomAD 0.0009%). This variant has not been reported in the literature in individuals affected with DNAI1-related conditions. ClinVar contains an entry for this variant (Variation ID: 1067153). Algorithms developed to predict the effect of sequence changes on RNA splicing suggest that this variant may disrupt the consensus splice site. In summary, the currently available evidence indicates that the variant is pathogenic, but additional data are needed to prove that conclusively. Therefore, this variant has been classified as Likely Pathogenic.

Juno Genomics, Hangzhou Juno Genomics, Inc
Classification: Likely pathogenic for Kartagener syndrome. Review status: criteria provided, single submitter. Criteria: ACMG Guidelines, 2015. Collection method: clinical testing. Allele origin: germline. Affected: yes.
Comment: Null variant in a gene where loss of function (LOF) is a known mechanism of disease.;Absent from controls (or at extremely low frequency if recessive) in Genome Aggregation Database, Exome Sequencing Project, 1000 Genomes Project, or Exome Aggregation Consortium.

Genome Diagnostics Laboratory, Amsterdam University Medical Center
Classification: Pathogenic. Review status: no assertion criteria provided. Collection method: clinical testing. Allele origin: germline. Affected: yes. Study: VKGL Data-share Consensus. Not counted in ClinVar's aggregate classification.

Joint Genome Diagnostic Labs from Nijmegen and Maastricht, Radboudumc and MUMC+
Classification: Pathogenic. Review status: no assertion criteria provided. Collection method: clinical testing. Allele origin: germline. Affected: yes. Study: VKGL Data-share Consensus. Not counted in ClinVar's aggregate classification.

Literature cited by the submitters: PubMed 16199547 (cited by Labcorp Genetics (formerly Invitae), Labcorp); PubMed 16858015 (cited by Labcorp Genetics (formerly Invitae), Labcorp); PubMed 29363216 (cited by Labcorp Genetics (formerly Invitae), Labcorp).

NM_012144.4(DNAI1):c.1490-2A>G

Gene: DNAI1 (dynein axonemal intermediate chain 1; plus strand). Cytogenetic location: 9p13.3.
Variant type: single nucleotide variant.
Coding change: c.1490-2A>G on transcript NM_012144.4 (MANE Select); the canonical splice acceptor site of the intron before coding-DNA position 1490, A replaced by G.
Molecular consequence: splice acceptor variant.
Genome position (GRCh38, 1-based): chr9:34,513,110, A>G. VCF-style: chr9-34513110-A-G. GRCh37 (hg19) VCF-style: chr9-34513108-A-G.
Other names: c.1502-2A>G (NM_001281428.2); c.1490-2A>G (NM_012144.3).
Identifiers: ClinVar variation 1067153 (VCV001067153.17), dbSNP rs775831317, ClinGen allele CA5034431.
Genomic context (GRCh38, chr9:34,513,110, plus strand): 5'-GGAGGCACTGGGAGCCTCCCTCTTGGAACTGGGCTAAGCCTGCCCCTCCCTCTTTTCCCA[A>G]GGTTGTGGCACTGCCTTTGACTTCCACAAAGAGATTGACTACATGTTCCTAGTGGGCACA-3'